The following is an entry in ClinVar:

NM_001943.5(DSG2):c.2036G>T (p.Gly679Val)

Genes: DSG2 (desmoglein 2; plus strand), DSG2-AS1 (DSG2 antisense RNA 1; minus strand). Cytogenetic location: 18q12.1.
Variant type: single nucleotide variant.
Coding change: c.2036G>T on transcript NM_001943.5 (MANE Select); coding-DNA position 2036, G replaced by T.
Protein change: p.Gly679Val; replaces glycine 679 with valine.
Molecular consequence: missense variant.
Genome position (GRCh38, 1-based): chr18:31,542,554, G>T. VCF-style: chr18-31542554-G-T. GRCh37 (hg19) VCF-style: chr18-29122517-G-T.
Other names: short protein forms G679V.
Identifiers: ClinVar variation 3221939 (VCV003221939.3), dbSNP rs1347694586, ClinGen allele CA402141145.

ClinVar aggregate classification (germline): Conflicting classifications of pathogenicity. Review status: criteria provided, conflicting classifications (1 of 4 stars). 2 submissions from 2 submitters: Uncertain significance (1); Likely benign (1). Last evaluated 2024-05-23.

Conditions:
Cardiovascular phenotype. Identifiers: MedGen CN230736.
Arrhythmogenic right ventricular dysplasia 10. Also called: Arrhythmogenic Right Ventricular Dysplasia/Cardiomyopathy10; ARRHYTHMOGENIC RIGHT VENTRICULAR DYSPLASIA, FAMILIAL, 10; Arrhythmogenic right ventricular dysplasia/cardiomyopathy, type 10. Identifiers: MedGen C1857777, MONDO:0012434, OMIM 610193.

gnomAD v4.1: 1 of 1,614,092 alleles (0.000062%); highest among the groups gnomAD compares: East Asian, 0.0022%; no homozygotes.

Submissions (2):

Labcorp Genetics (formerly Invitae), Labcorp
Classification: Uncertain significance for Arrhythmogenic right ventricular dysplasia 10. Last evaluated: 2024-05-23. Review status: criteria provided, single submitter. Criteria: Invitae Variant Classification Sherloc (09022015). Collection method: clinical testing. Allele origin: germline.
Comment: This sequence change replaces glycine, which is neutral and non-polar, with valine, which is neutral and non-polar, at codon 679 of the DSG2 protein (p.Gly679Val). This variant is not present in population databases (gnomAD no frequency). This variant has not been reported in the literature in individuals affected with DSG2-related conditions. Advanced modeling of protein sequence and biophysical properties (such as structural, functional, and spatial information, amino acid conservation, physicochemical variation, residue mobility, and thermodynamic stability) performed at Invitae indicates that this missense variant is not expected to disrupt DSG2 protein function with a negative predictive value of 95%. In summary, the available evidence is currently insufficient to determine the role of this variant in disease. Therefore, it has been classified as a Variant of Uncertain Significance.

Ambry Genetics
Classification: Likely benign for Cardiovascular phenotype. Last evaluated: 2024-03-12. Review status: criteria provided, single submitter. Criteria: Ambry Variant Classification Scheme 2023. Collection method: clinical testing. Allele origin: germline.

Literature cited by the submitters: PubMed 24125834 (cited by Ambry Genetics).